The following is an entry in ClinVar:

ClinVar aggregate classification (germline): Uncertain significance. Review status: criteria provided, multiple submitters, no conflicts (2 of 4 stars). 2 submissions from 2 submitters: Uncertain significance (2). Last evaluated 2025-12-22.

Conditions:
TSHR-related disorder. Also called: TSHR-related condition; TSHR-related disorders.
Familial gestational hyperthyroidism. Identifiers: Orphanet 99819, MedGen C1863959, MONDO:0011309, OMIM 603373.

Allele frequency attached by ClinVar (database versions not stated): ExAC 0.00001; gnomAD exomes 0.00001; TOPMed 0.00002.
gnomAD v4.1: 11 of 1,614,076 alleles (0.00068%); highest among the groups gnomAD compares: Admixed American, 0.017%; no homozygotes.

Submissions (2):

PreventionGenetics, part of Exact Sciences
Classification: Uncertain significance for TSHR-related condition. Last evaluated: 2025-12-22. Review status: criteria provided, single submitter. Criteria: ACMG Guidelines, 2015. Collection method: clinical testing. Allele origin: germline.
Comment: The TSHR c.480C>A variant is predicted to result in the amino acid substitution p.Asp160Glu. A functional study shows this variant alters protein function (Angelova et al. 2010. PubMed ID: 20736161). This variant is reported in 0.032% of alleles in individuals of Latino descent in gnomAD. At this time, the clinical significance of this variant is uncertain due to the absence of conclusive functional and genetic evidence.

Baylor Genetics
Classification: Uncertain significance for Familial gestational hyperthyroidism. Last evaluated: 2024-03-11. Review status: criteria provided, single submitter. Criteria: ACMG Guidelines, 2015. Collection method: clinical testing. Allele origin: unknown.

NM_000369.5(TSHR):c.480C>A (p.Asp160Glu)

Genes: TSHR (thyroid stimulating hormone receptor; plus strand), TSHR-AS1 (TSHR antisense RNA 1; minus strand). Cytogenetic location: 14q31.1.
Variant type: single nucleotide variant.
Coding change: c.480C>A on transcript NM_000369.5 (MANE Select); coding-DNA position 480, C replaced by A.
Protein change: p.Asp160Glu; replaces aspartic acid 160 with glutamic acid.
Molecular consequence: missense variant.
Genome position (GRCh38, 1-based): chr14:81,092,543, C>A. VCF-style: chr14-81092543-C-A. GRCh37 (hg19) VCF-style: chr14-81558887-C-A.
Other names: c.480C>A, p.Asp160Glu (NM_001018036.3, NM_001142626.3); short protein forms D160E.
Identifiers: ClinVar variation 3053994 (VCV003053994.4), dbSNP rs748980987, ClinGen allele CA7294161.